The following is an entry in ClinVar:

NM_005359.6(SMAD4):c.168T>C (p.Ser56=)

Gene: SMAD4 (SMAD family member 4; plus strand). Cytogenetic location: 18q21.2.
Variant type: single nucleotide variant.
Coding change: c.168T>C on transcript NM_005359.6 (MANE Select); coding-DNA position 168, T replaced by C.
Protein change: p.Ser56=; no amino-acid change (serine 56 retained).
Molecular consequence: synonymous variant. On other transcripts: non-coding transcript variant (2).
Genome position (GRCh38, 1-based): chr18:51,047,214, T>C. VCF-style: chr18-51047214-T-C. GRCh37 (hg19) VCF-style: chr18-48573584-T-C.
Other names: c.168T>C, p.Ser56= (NM_001407041.1, NM_001407042.1, NM_001407043.1).
Identifiers: ClinVar variation 2452514 (VCV002452514.3), dbSNP rs1333506128, ClinGen allele CA503873466.

ClinVar aggregate classification (germline): Benign/Likely benign. Review status: criteria provided, multiple submitters, no conflicts (2 of 4 stars). 2 submissions from 2 submitters: Benign (1); Likely benign (1). Last evaluated 2025-03-18.

Conditions:
Juvenile polyposis/hereditary hemorrhagic telangiectasia syndrome (JPHT). Also called: JP/HHT SYNDROME; JUVENILE POLYPOSIS WITH HEREDITARY HEMORRHAGIC TELANGIECTASIA; POLYPOSIS, GENERALIZED JUVENILE, WITH PULMONARY ARTERIOVENOUS MALFORMATION; TELANGIECTASIA, HEREDITARY HEMORRHAGIC, WITH JUVENILE POLYPOSIS COLI; Juvenile Polyposis Syndrome / Hereditary Hemorrhagic Telangiectasia (JPS/HHT). Identifiers: Orphanet 2929, MedGen C1832942, MONDO:0008278, OMIM 175050.
Familial thoracic aortic aneurysm and aortic dissection (TAAD). Also called: Thoracic aortic aneurysms and dissections. Identifiers: Orphanet 91387, MedGen C4707243, MONDO:0019625.
Hereditary cancer-predisposing syndrome. Also called: Neoplastic Syndromes, Hereditary; Tumor predisposition; Hereditary neoplastic syndrome; Hereditary Cancer Syndrome. Identifiers: Orphanet 140162, MedGen C0027672, MeSH D009386, MONDO:0015356.

Allele frequency attached by ClinVar (database versions not stated): TOPMed below 0.00001; gnomAD 0.00001.
gnomAD v4.1: 1 of 1,613,780 alleles (0.000062%); highest among the groups gnomAD compares: Non-Finnish European, 0.000085%; no homozygotes.

Submissions (2):

Myriad Genetics, Inc.
Classification: Benign for Juvenile polyposis/hereditary hemorrhagic telangiectasia syndrome. Last evaluated: 2025-03-18. Review status: criteria provided, single submitter. Criteria: Myriad Autosomal Dominant, Autosomal Recessive and X-Linked Classification Criteria (2023). Collection method: clinical testing. Allele origin: unknown.
Comment: This variant is considered benign. This variant is a silent/synonymous amino acid change and it is not expected to impact splicing.

Ambry Genetics
Classification: Likely benign for Hereditary cancer-predisposing syndrome; Familial thoracic aortic aneurysm and aortic dissection. Last evaluated: 2023-01-05. Review status: criteria provided, single submitter. Criteria: Ambry Variant Classification Scheme 2023. Collection method: clinical testing. Allele origin: germline.